The following is an entry in ClinVar:

NM_001849.4(COL6A2):c.1333-10C>G

Gene: COL6A2 (collagen type VI alpha 2 chain; plus strand). Cytogenetic location: 21q22.3.
Variant type: single nucleotide variant.
Coding change: c.1333-10C>G on transcript NM_001849.4 (MANE Select); 10 bases into the intron before coding-DNA position 1333, C replaced by G.
Molecular consequence: intron variant.
Genome position (GRCh38, 1-based): chr21:46,120,505, C>G. VCF-style: chr21-46120505-C-G. GRCh37 (hg19) VCF-style: chr21-47540419-C-G.
Other names: c.1333-10C>G (NM_058175.3, NM_058174.3).
Identifiers: ClinVar variation 194622 (VCV000194622.35), dbSNP rs199513044, ClinGen allele CA240703.

ClinVar aggregate classification (germline): Conflicting classifications of pathogenicity. Review status: criteria provided, conflicting classifications (1 of 4 stars). 9 submissions from 9 submitters: Uncertain significance (1); Benign (1); Likely benign (4). 3 of the submissions do not count toward it. Last evaluated 2026-07-01.

Conditions:
COL6A2-related disorder.
Collagen 6-related myopathy. Identifiers: MedGen CN117976, MONDO:0100225.
Bethlem myopathy 1A. Also called: Bethlem Muscular Dystrophy; MYOPATHY, BENIGN CONGENITAL, WITH CONTRACTURES; Bethlem myopathy 1. Identifiers: Orphanet 610, MedGen CN029274, MONDO:0024530, OMIM 158810.

Allele frequency attached by ClinVar (database versions not stated): 1000 Genomes Project 30x 0.00031; 1000 Genomes Project 0.00040; TOPMed 0.00059; ESP Exome Variant Server 0.00064; gnomAD exomes 0.00092; ExAC 0.00142; gnomAD 0.00207.
gnomAD v4.1: 994 of 1,521,440 alleles (0.065%); highest among the groups gnomAD compares: Non-Finnish European, 0.066%; 1 homozygote.

Submissions (9):

CeGaT Center for Human Genetics Tuebingen
Classification: Likely benign. Last evaluated: 2026-07-01. Review status: criteria provided, single submitter. Criteria: CeGaT Center For Human Genetics Tuebingen Variant Classification Criteria Version 2. Collection method: clinical testing. Allele origin: germline. Affected: yes. Observed: 6 variant alleles.
Comment: COL6A2: BP4, BP7

Labcorp Genetics (formerly Invitae), Labcorp
Classification: Likely benign for Bethlem myopathy 1A. Last evaluated: 2026-01-12. Review status: criteria provided, single submitter. Criteria: Invitae Variant Classification Sherloc (09022015). Collection method: clinical testing. Allele origin: germline.

Blueprint Genetics
Classification: Likely benign. Last evaluated: 2024-11-19. Review status: criteria provided, single submitter. Criteria: ACMG Guidelines, 2015. Collection method: clinical testing. Allele origin: germline.

GeneDx
Classification: Likely benign. Last evaluated: 2021-02-23. Review status: criteria provided, single submitter. Criteria: GeneDx Variant Classification Process June 2021. Collection method: clinical testing. Allele origin: germline. Affected: yes.
Comment: This variant is associated with the following publications: (PMID: 30564623)

Eurofins Ntd Llc (ga)
Classification: Uncertain significance. Last evaluated: 2018-07-19. Review status: criteria provided, single submitter. Criteria: EGL ClinVar v180209 classification definitions. Collection method: clinical testing. Allele origin: germline. Observed: 11 variant alleles, 11 heterozygotes.

Illumina Laboratory Services, Illumina
Classification: Benign for Collagen VI-related myopathy. Last evaluated: 2018-01-13. Review status: criteria provided, single submitter. Criteria: ICSL Variant Classification Criteria 13 December 2019. Collection method: clinical testing. Allele origin: germline.
Comment: This variant was observed in the ICSL laboratory as part of a predisposition screen in an ostensibly healthy population. It had not been previously curated by ICSL or reported in the Human Gene Mutation Database (HGMD: prior to June 1st, 2018), and was therefore a candidate for classification through an automated scoring system. Utilizing variant allele frequency, disease prevalence and penetrance estimates, and inheritance mode, an automated score was calculated to assess if this variant is too frequent to cause the disease. Based on the score and internal cut-off values, a variant classified as benign is not then subjected to further curation. The score for this variant resulted in a classification of benign for this disease.

PreventionGenetics, part of Exact Sciences
Classification: Likely benign for COL6A2-related condition. Last evaluated: 2019-10-25. Review status: no assertion criteria provided. Collection method: clinical testing. Allele origin: germline. Not counted in ClinVar's aggregate classification.
Comment: This variant is classified as likely benign based on ACMG/AMP sequence variant interpretation guidelines (Richards et al. 2015 PMID: 25741868, with internal and published modifications).

Clinical Genetics DNA and cytogenetics Diagnostics Lab, Erasmus MC, Erasmus Medical Center
Classification: Likely benign. Review status: no assertion criteria provided. Collection method: clinical testing. Allele origin: germline. Affected: yes. Study: VKGL Data-share Consensus. Not counted in ClinVar's aggregate classification.

Laboratory of Diagnostic Genome Analysis, Leiden University Medical Center (LUMC)
Classification: Likely benign. Review status: no assertion criteria provided. Collection method: clinical testing. Allele origin: germline. Affected: yes. Study: VKGL Data-share Consensus. Not counted in ClinVar's aggregate classification.